The following is an entry in ClinVar:

NM_018026.4(PACS1):c.2214T>A (p.Asp738Glu)

Gene: PACS1 (phosphofurin acidic cluster sorting protein 1; plus strand). Cytogenetic location: 11q13.2.
Variant type: single nucleotide variant.
Coding change: c.2214T>A on transcript NM_018026.4 (MANE Select); coding-DNA position 2214, T replaced by A.
Protein change: p.Asp738Glu; replaces aspartic acid 738 with glutamic acid.
Molecular consequence: missense variant.
Genome position (GRCh38, 1-based): chr11:66,235,904, T>A. VCF-style: chr11-66235904-T-A. GRCh37 (hg19) VCF-style: chr11-66003375-T-A.
Other names: short protein forms D738E.
Identifiers: ClinVar variation 2581939 (VCV002581939.1), dbSNP rs2495593130, ClinGen allele CA381377056.
Genomic context (GRCh38, chr11:66,235,904, plus strand): 5'-CACTCCTCCCTGTCTCTCCTACTAACTATGAAGCTCTCCTGTGTCTCCCAACAGCCCTGA[T>A]GAAGACTCCTATCAGAAGTTTATTCCCTTCATTGGCGTGAGTACTGACTCCCTCTGCTTG-3'
Protein context (NP_060496.2, residues 728-748): AMLTCRHKFP[Asp738Glu]EDSYQKFIPF

ClinVar aggregate classification (germline): Uncertain significance (1 of 4 stars; one submission).

Submission:

GeneDx
Classification: Uncertain significance. Last evaluated: 2023-03-26. Review status: criteria provided, single submitter. Criteria: GeneDx Variant Classification Process June 2021. Collection method: clinical testing. Allele origin: germline. Affected: yes.
Comment: Not observed at significant frequency in large population cohorts (gnomAD); In silico analysis supports that this missense variant has a deleterious effect on protein structure/function; Has not been previously published as pathogenic or benign to our knowledge